The following is an entry in ClinVar:

NM_016955.4(SEPSECS):c.772C>T (p.Gln258Ter)

Gene: SEPSECS (Sep (O-phosphoserine) tRNA:Sec (selenocysteine) tRNA synthase; minus strand). Cytogenetic location: 4p15.2.
Variant type: single nucleotide variant.
Coding change: c.772C>T on transcript NM_016955.4 (MANE Select); coding-DNA position 772, C replaced by T.
Protein change: p.Gln258Ter; replaces glutamine 258 with a stop codon.
Molecular consequence: nonsense.
Genome position (GRCh38, 1-based): chr4:25,151,992, G>A on the plus strand (C>T on the coding strand, the complement: SEPSECS is on the minus strand). VCF-style: chr4-25151992-G-A. GRCh37 (hg19) VCF-style: chr4-25153614-G-A.
Other names: short protein forms Q258*.
Identifiers: ClinVar variation 852679 (VCV000852679.7), dbSNP rs1712331034, ClinGen allele CA356540220.
Genomic context (GRCh38, chr4:25,151,992, plus strand): 5'-ACATACATATCATTTTAAACTCTCTTACCTGCTGAATGAGATGCATACACTTTGAAGACT[G>A]CACTCCATAAGCATTATTAACTATATGTGGAATGTCATAATTAGCACAAATCACAGCCAG-3'

ClinVar aggregate classification (germline): Pathogenic (1 of 4 stars; one submission).

Allele frequency attached by ClinVar (database versions not stated): gnomAD exomes below 0.00001.

Submission:

Labcorp Genetics (formerly Invitae), Labcorp
Classification: Pathogenic. Last evaluated: 2023-03-07. Review status: criteria provided, single submitter. Criteria: Invitae Variant Classification Sherloc (09022015). Collection method: clinical testing. Allele origin: germline.
Comment: This sequence change creates a premature translational stop signal (p.Gln258*) in the SEPSECS gene. It is expected to result in an absent or disrupted protein product. Loss-of-function variants in SEPSECS are known to be pathogenic (PMID: 25558065, 25590979, 26115735). This variant is not present in population databases (gnomAD no frequency). This variant has not been reported in the literature in individuals affected with SEPSECS-related conditions. ClinVar contains an entry for this variant (Variation ID: 852679). Algorithms developed to predict the effect of sequence changes on RNA splicing suggest that this variant may disrupt the consensus splice site. For these reasons, this variant has been classified as Pathogenic.

Literature cited by the submitters: PubMed 25558065; PubMed 25590979; PubMed 26115735.